The following is an entry in ClinVar:

ClinVar aggregate classification (germline): Benign (1 of 4 stars; one submission).

Allele frequency attached by ClinVar (database versions not stated): gnomAD exomes 0.00025; ExAC 0.00084; ESP Exome Variant Server 0.00183.

Submission:

CeGaT Center for Human Genetics Tuebingen
Classification: Benign. Last evaluated: 2022-04-01. Review status: criteria provided, single submitter. Criteria: CeGaT Center For Human Genetics Tuebingen Variant Classification Criteria Version 2. Collection method: clinical testing. Allele origin: germline. Affected: yes. Observed: 2 variant alleles.
Comment: AHNAK2: BS1, BS2

NM_138420.4(AHNAK2):c.6379A>G (p.Arg2127Gly)

Gene: AHNAK2 (AHNAK nucleoprotein 2; minus strand). Cytogenetic location: 14q32.33.
Variant type: single nucleotide variant.
Coding change: c.6379A>G on transcript NM_138420.4 (MANE Select); coding-DNA position 6379, A replaced by G.
Protein change: p.Arg2127Gly; replaces arginine 2127 with glycine.
Molecular consequence: missense variant.
Genome position (GRCh38, 1-based): chr14:104,949,072, T>C on the plus strand (A>G on the coding strand, the complement: AHNAK2 is on the minus strand). VCF-style: chr14-104949072-T-C. GRCh37 (hg19) VCF-style: chr14-105415409-T-C.
Other names: c.6079A>G, p.Arg2027Gly (NM_001350929.2); short protein forms R2027G, R2127G.
Identifiers: ClinVar variation 2644745 (VCV002644745.24), dbSNP rs201314202, ClinGen allele CA7381196.